The following is an entry in ClinVar:

ClinVar aggregate classification (germline): Pathogenic (1 of 4 stars; one submission).

Conditions:
Mitochondrial hypertrophic cardiomyopathy with lactic acidosis due to MTO1 deficiency. Also called: CARDIOMYOPATHY, INFANTILE HYPERTROPHIC MITOCHONDRIAL, AND LACTIC ACIDOSIS; Combined oxidative phosphorylation deficiency 10. Identifiers: Orphanet 314637, MedGen C4749921, MONDO:0013865, OMIM 614702.

Submission:

Labcorp Genetics (formerly Invitae), Labcorp
Classification: Pathogenic for Mitochondrial hypertrophic cardiomyopathy with lactic acidosis due to MTO1 deficiency. Last evaluated: 2025-02-26. Review status: criteria provided, single submitter. Criteria: Invitae Variant Classification Sherloc (09022015). Collection method: clinical testing. Allele origin: germline.
Comment: This sequence change creates a premature translational stop signal (p.Arg388Valfs*35) in the MTO1 gene. It is expected to result in an absent or disrupted protein product. Loss-of-function variants in MTO1 are known to be pathogenic (PMID: 22608499, 25058219). This variant is not present in population databases (gnomAD no frequency). This variant has not been reported in the literature in individuals affected with MTO1-related conditions. For these reasons, this variant has been classified as Pathogenic.

Literature cited by the submitters: PubMed 22608499; PubMed 25058219.

NM_012123.4(MTO1):c.1158del (p.Arg388fs)

Gene: MTO1 (mitochondrial tRNA translation optimization 1; plus strand). Cytogenetic location: 6q13.
Variant type: Deletion.
Coding change: c.1158del on transcript NM_012123.4 (MANE Select); coding-DNA position 1158, one base deleted (T; older notation c.1158delT).
Protein change: p.Arg388fs; shifts the reading frame from arginine 388.
Molecular consequence: frameshift variant.
Genome position (GRCh38, 1-based): chr6:73,480,703, T deleted. VCF-style (leftmost placement, unchanged base first): chr6-73480702-AT-A. GRCh37 (hg19) VCF-style: chr6-74190425-AT-A.
Other names: c.1158del, p.Arg388fs (NM_001123226.2); c.1233del, p.Arg413fs (NM_133645.3); short protein forms R388fs, R413fs.
Identifiers: ClinVar variation 4713903 (VCV004713903.1).